The following is an entry in ClinVar:

ClinVar aggregate classification (germline): Uncertain significance. Review status: criteria provided, multiple submitters, no conflicts (2 of 4 stars). 2 submissions from 2 submitters: Uncertain significance (2). Last evaluated 2022-06-02.

Conditions:
Epidermolysis bullosa simplex 5B, with muscular dystrophy (EBS5B). Also called: Epidermolysis bullosa simplex with muscular dystrophy; EPIDERMOLYSIS BULLOSA SIMPLEX AND LIMB-GIRDLE MUSCULAR DYSTROPHY. Identifiers: Orphanet 257, MedGen C2931072, MONDO:0009181, OMIM 226670.
Epidermolysis bullosa simplex, Ogna type (EBS5A). Also called: Pidermolysis bullosa simplex 5A, Ogna type; EPIDERMOLYSIS BULLOSA SIMPLEX 5A, OGNA TYPE. Identifiers: Orphanet 79401, MedGen C0432317, MONDO:0007555, OMIM 131950.
Epidermolysis bullosa simplex with nail dystrophy (EBS5D). Identifiers: MedGen C4225309, MONDO:0014661, OMIM 616487.
Autosomal recessive limb-girdle muscular dystrophy type 2Q (LGMDR17). Also called: MUSCULAR DYSTROPHY, LIMB-GIRDLE, AUTOSOMAL RECESSIVE 17. Identifiers: Orphanet 254361, MedGen C3150989, MONDO:0013390, OMIM 613723.
Epidermolysis bullosa simplex 5C, with pyloric atresia (EBS5C). Also called: PLEC-Related Epidermolysis Bullosa with Pyloric Atresia; Epidermolysis bullosa simplex with pyloric atresia; PLEC1-Related Epidermolysis Bullosa with Pyloric Atresia. Identifiers: Orphanet 158684, MedGen C2677349, MONDO:0012807, OMIM 612138.

Allele frequency attached by ClinVar (database versions not stated): TOPMed 0.00001.

Submissions (2):

Labcorp Genetics (formerly Invitae), Labcorp
Classification: Uncertain significance for Autosomal recessive limb-girdle muscular dystrophy type 2Q; Epidermolysis bullosa simplex, Ogna type; Epidermolysis bullosa simplex with nail dystrophy; Epidermolysis bullosa simplex 5C, with pyloric atresia; Epidermolysis bullosa simplex 5B, with muscular dystrophy. Last evaluated: 2022-06-02. Review status: criteria provided, single submitter. Criteria: Invitae Variant Classification Sherloc (09022015). Collection method: clinical testing. Allele origin: germline.
Comment: This sequence change replaces phenylalanine, which is neutral and non-polar, with serine, which is neutral and polar, at codon 1298 of the PLEC protein (p.Phe1298Ser). This variant is not present in population databases (gnomAD no frequency). This variant has not been reported in the literature in individuals affected with PLEC-related conditions. ClinVar contains an entry for this variant (Variation ID: 597647). Algorithms developed to predict the effect of missense changes on protein structure and function are either unavailable or do not agree on the potential impact of this missense change (SIFT: "Tolerated"; PolyPhen-2: "Not Available"; Align-GVGD: "Class C0"). In summary, the available evidence is currently insufficient to determine the role of this variant in disease. Therefore, it has been classified as a Variant of Uncertain Significance.

Eurofins Ntd Llc (ga)
Classification: Uncertain significance. Last evaluated: 2018-06-20. Review status: criteria provided, single submitter. Criteria: EGL ClinVar v180209 classification definitions. Collection method: clinical testing. Allele origin: germline. Observed: 1 variant allele, 1 heterozygote.

NM_201384.3(PLEC):c.3812T>C (p.Phe1271Ser)

Gene: PLEC (plectin; minus strand). Cytogenetic location: 8q24.3.
Variant type: single nucleotide variant.
Coding change: c.3812T>C on transcript NM_201384.3 (MANE Select); coding-DNA position 3812, T replaced by C.
Protein change: p.Phe1271Ser; replaces phenylalanine 1271 with serine.
Molecular consequence: missense variant.
Genome position (GRCh38, 1-based): chr8:143,927,280, A>G on the plus strand (T>C on the coding strand, the complement: PLEC is on the minus strand). VCF-style: chr8-143927280-A-G. GRCh37 (hg19) VCF-style: chr8-145001448-A-G.
Other names: c.3893T>C, p.Phe1298Ser (NM_000445.5); c.3770T>C, p.Phe1257Ser (NM_201378.4); c.3746T>C, p.Phe1249Ser (NM_201379.3); c.4223T>C, p.Phe1408Ser (NM_201380.4); c.3716T>C, p.Phe1239Ser (NM_201381.3); c.3812T>C, p.Phe1271Ser (NM_201382.4); c.3824T>C, p.Phe1275Ser (NM_201383.3); short protein forms F1298S, F1408S, F1239S, F1249S, F1257S, F1271S, F1275S.
Identifiers: ClinVar variation 597647 (VCV000597647.9), dbSNP rs945462745, ClinGen allele CA187618017.